The following is an entry in ClinVar:

ClinVar aggregate classification (germline): Uncertain significance (1 of 4 stars; one submission).

Allele frequency attached by ClinVar (database versions not stated): gnomAD 0.00001; gnomAD exomes 0.00001.
gnomAD v4.1: 12 of 1,602,428 alleles (0.00075%); highest among the groups gnomAD compares: Non-Finnish European, 0.001%; no homozygotes.

Submission:

Labcorp Genetics (formerly Invitae), Labcorp
Classification: Uncertain significance. Last evaluated: 2022-08-27. Review status: criteria provided, single submitter. Criteria: Invitae Variant Classification Sherloc (09022015). Collection method: clinical testing. Allele origin: germline.
Comment: In summary, the available evidence is currently insufficient to determine the role of this variant in disease. Therefore, it has been classified as a Variant of Uncertain Significance. Algorithms developed to predict the effect of missense changes on protein structure and function are either unavailable or do not agree on the potential impact of this missense change (SIFT: "Deleterious"; PolyPhen-2: "Probably Damaging"; Align-GVGD: "Class C0"). This variant has not been reported in the literature in individuals affected with PLEKHG2-related conditions. This variant is present in population databases (no rsID available, gnomAD 0.007%). This sequence change replaces glycine, which is neutral and non-polar, with valine, which is neutral and non-polar, at codon 1347 of the PLEKHG2 protein (p.Gly1347Val).

NM_022835.3(PLEKHG2):c.4040G>T (p.Gly1347Val)

Gene: PLEKHG2 (pleckstrin homology and RhoGEF domain containing G2; plus strand). Cytogenetic location: 19q13.2.
Variant type: single nucleotide variant.
Coding change: c.4040G>T on transcript NM_022835.3 (MANE Select); coding-DNA position 4040, G replaced by T.
Protein change: p.Gly1347Val; replaces glycine 1347 with valine.
Molecular consequence: missense variant. On other transcripts: intron variant (2).
Genome position (GRCh38, 1-based): chr19:39,425,173, G>T. VCF-style: chr19-39425173-G-T. GRCh37 (hg19) VCF-style: chr19-39915813-G-T.
Other names: c.3573-65G>T (NM_001351693.2); c.1678-65G>T (NM_001351694.2); short protein forms G1347V.
Identifiers: ClinVar variation 1940586 (VCV001940586.5), dbSNP rs1252090970, ClinGen allele CA405811596.